The following is an entry in ClinVar:

NM_001365536.1(SCN9A):c.531T>A (p.Cys177Ter)

Gene: SCN9A (sodium voltage-gated channel alpha subunit 9; minus strand). Cytogenetic location: 2q24.3.
Variant type: single nucleotide variant.
Coding change: c.531T>A on transcript NM_001365536.1 (MANE Select); coding-DNA position 531, T replaced by A.
Protein change: p.Cys177Ter; replaces cysteine 177 with a stop codon.
Molecular consequence: nonsense.
Genome position (GRCh38, 1-based): chr2:166,305,857, A>T on the plus strand (T>A on the coding strand, the complement: SCN9A is on the minus strand). VCF-style: chr2-166305857-A-T. GRCh37 (hg19) VCF-style: chr2-167162367-A-T.
Other names: c.531T>A, p.Cys177Ter (NM_002977.4); short protein forms C177*.
Identifiers: ClinVar variation 2930453 (VCV002930453.3), dbSNP rs1553496195, ClinGen allele CA349095145.
Genomic context (GRCh38, chr2:166,305,857, plus strand): 5'-AACAATGACGACAAAATCCAGCCAGTTCCACGGGTCACGAAGAAAAGTGAATTCTCCTAC[A>T]CAGAAGCCTCTTGCAAGGATTTTTACAAGTGATTCAAAAGTATATATTCCAGTAAAAGTG-3'

ClinVar aggregate classification (germline): Pathogenic (1 of 4 stars; one submission).

Conditions:
Neuropathy, hereditary sensory and autonomic, type 2A (HSAN2A). Also called: ACROOSTEOLYSIS, GIACCAI TYPE; ACROOSTEOLYSIS, NEUROGENIC; WNK1-Related HSAN2 (HSAN2A); MORVAN DISEASE; NEUROPATHY, CONGENITAL SENSORY; NEUROPATHY, HEREDITARY SENSORY RADICULAR, AUTOSOMAL RECESSIVE. Identifiers: Orphanet 970, MedGen C2752089, MONDO:0024309, OMIM 201300.
Generalized epilepsy with febrile seizures plus, type 7 (GEFSP7). Also called: GEFS+, TYPE 7. Identifiers: Orphanet 36387, MedGen C2751778, MONDO:0013470, OMIM 613863.

Submission:

Labcorp Genetics (formerly Invitae), Labcorp
Classification: Pathogenic for Neuropathy, hereditary sensory and autonomic, type 2A; Generalized epilepsy with febrile seizures plus, type 7. Last evaluated: 2023-12-30. Review status: criteria provided, single submitter. Criteria: Invitae Variant Classification Sherloc (09022015). Collection method: clinical testing. Allele origin: germline.
Comment: This sequence change creates a premature translational stop signal (p.Cys177*) in the SCN9A gene. It is expected to result in an absent or disrupted protein product. Loss-of-function variants in SCN9A are known to be pathogenic (PMID: 17470132, 19304393). This variant is not present in population databases (gnomAD no frequency). This variant has not been reported in the literature in individuals affected with SCN9A-related conditions. Algorithms developed to predict the effect of sequence changes on RNA splicing suggest that this variant may disrupt the consensus splice site. For these reasons, this variant has been classified as Pathogenic.

Literature cited by the submitters: PubMed 17470132; PubMed 19304393.